The following is an entry in ClinVar:

ClinVar aggregate classification (germline): Uncertain significance. Review status: criteria provided, multiple submitters, no conflicts (2 of 4 stars). 2 submissions from 2 submitters: Uncertain significance (2). Last evaluated 2025-05-05.

Conditions:
Hereditary cancer-predisposing syndrome. Also called: Neoplastic Syndromes, Hereditary; Tumor predisposition; Hereditary Cancer Syndrome; Hereditary neoplastic syndrome. Identifiers: Orphanet 140162, MedGen C0027672, MeSH D009386, MONDO:0015356.
Gastrointestinal stromal tumor. Also called: Gastrointestinal stromal tumor, somatic; Gastrointestinal stroma tumor. Identifiers: Orphanet 44890, MedGen C0238198, MeSH D046152, MONDO:0011719, OMIM 606764, HP:0100723.

Allele frequency attached by ClinVar (database versions not stated): gnomAD exomes below 0.00001; TOPMed below 0.00001.
gnomAD v4.1: 2 of 1,592,756 alleles (0.00013%); highest among the groups gnomAD compares: Non-Finnish European, 0.00017%; no homozygotes.

Submissions (2):

Ambry Genetics
Classification: Uncertain significance for Hereditary cancer-predisposing syndrome. Last evaluated: 2025-05-05. Review status: criteria provided, single submitter. Criteria: Ambry Variant Classification Scheme 2023. Collection method: clinical testing. Allele origin: germline.
Comment: The p.D794G variant (also known as c.2381A>G), located in coding exon 16 of the PDGFRA gene, results from an A to G substitution at nucleotide position 2381. The aspartic acid at codon 794 is replaced by glycine, an amino acid with similar properties. This amino acid position is highly conserved in available vertebrate species. In addition, this alteration is predicted to be deleterious by in silico analysis. Based on the available evidence, the clinical significance of this variant remains unclear.

Labcorp Genetics (formerly Invitae), Labcorp
Classification: Uncertain significance for Gastrointestinal stromal tumor. Last evaluated: 2023-07-22. Review status: criteria provided, single submitter. Criteria: Invitae Variant Classification Sherloc (09022015). Collection method: clinical testing. Allele origin: germline.
Comment: This variant is not present in population databases (gnomAD no frequency). This sequence change replaces aspartic acid, which is acidic and polar, with glycine, which is neutral and non-polar, at codon 794 of the PDGFRA protein (p.Asp794Gly). This variant has not been reported in the literature in individuals affected with PDGFRA-related conditions. In summary, the available evidence is currently insufficient to determine the role of this variant in disease. Therefore, it has been classified as a Variant of Uncertain Significance. Advanced modeling of protein sequence and biophysical properties (such as structural, functional, and spatial information, amino acid conservation, physicochemical variation, residue mobility, and thermodynamic stability) performed at Invitae indicates that this missense variant is not expected to disrupt PDGFRA protein function. ClinVar contains an entry for this variant (Variation ID: 835663).

NM_006206.6(PDGFRA):c.2381A>G (p.Asp794Gly)

Gene: PDGFRA (platelet derived growth factor receptor alpha; plus strand). Cytogenetic location: 4q12.
Variant type: single nucleotide variant.
Coding change: c.2381A>G on transcript NM_006206.6 (MANE Select); coding-DNA position 2381, A replaced by G.
Protein change: p.Asp794Gly; replaces aspartic acid 794 with glycine.
Molecular consequence: missense variant.
Genome position (GRCh38, 1-based): chr4:54,285,428, A>G. VCF-style: chr4-54285428-A-G. GRCh37 (hg19) VCF-style: chr4-55151595-A-G.
Other names: c.2456A>G, p.Asp819Gly (NM_001347828.2); c.2381A>G, p.Asp794Gly (NM_001347829.2); c.2420A>G, p.Asp807Gly (NM_001347830.2); short protein forms D819G, D794G, D807G.
Identifiers: ClinVar variation 835663 (VCV000835663.8), dbSNP rs1195815525, ClinGen allele CA356894701.